The following is an entry in ClinVar:

ClinVar aggregate classification (germline): Likely benign (0 of 4 stars; one submission).

Conditions:
MYOF-related disorder. Also called: MYOF-related condition.

Allele frequency attached by ClinVar (database versions not stated): ESP Exome Variant Server 0.00122; gnomAD 0.00146; TOPMed 0.00166; 1000 Genomes Project 0.00280; 1000 Genomes Project 30x 0.00312.
gnomAD v4.1: 416 of 1,614,104 alleles (0.026%); highest among the groups gnomAD compares: African/African-American, 0.46%; 1 homozygote.

Submission:

PreventionGenetics, part of Exact Sciences
Classification: Likely benign for MYOF-related condition. Last evaluated: 2019-11-25. Review status: no assertion criteria provided. Collection method: clinical testing. Allele origin: germline.
Comment: This variant is classified as likely benign based on ACMG/AMP sequence variant interpretation guidelines (Richards et al. 2015 PMID: 25741868, with internal and published modifications).

NM_013451.4(MYOF):c.2766G>A (p.Glu922=)

Gene: MYOF (myoferlin; minus strand). Cytogenetic location: 10q23.33.
Variant type: single nucleotide variant.
Coding change: c.2766G>A on transcript NM_013451.4 (MANE Select); coding-DNA position 2766, G replaced by A.
Protein change: p.Glu922=; no amino-acid change (glutamic acid 922 retained).
Molecular consequence: synonymous variant.
Genome position (GRCh38, 1-based): chr10:93,364,063, C>T on the plus strand (G>A on the coding strand, the complement: MYOF is on the minus strand). VCF-style: chr10-93364063-C-T. GRCh37 (hg19) VCF-style: chr10-95123820-C-T.
Other names: c.2727G>A, p.Glu909= (NM_133337.3).
Identifiers: ClinVar variation 3049112 (VCV003049112.2), dbSNP rs371075702, ClinGen allele CA5607738.